The following is an entry in ClinVar:

NM_001166108.2(PALLD):c.484G>T (p.Gly162Cys)

Gene: PALLD (palladin, cytoskeletal associated protein; plus strand). Cytogenetic location: 4q32.3.
Variant type: single nucleotide variant.
Coding change: c.484G>T on transcript NM_001166108.2 (MANE Select); coding-DNA position 484, G replaced by T.
Protein change: p.Gly162Cys; replaces glycine 162 with cysteine.
Molecular consequence: missense variant.
Genome position (GRCh38, 1-based): chr4:168,511,988, G>T. VCF-style: chr4-168511988-G-T. GRCh37 (hg19) VCF-style: chr4-169433139-G-T.
Other names: c.484G>T, p.Gly162Cys (NM_016081.4); short protein forms G162C.
Identifiers: ClinVar variation 1743567 (VCV001743567.2), dbSNP rs1431940568, ClinGen allele CA358726125.
Genomic context (GRCh38, chr4:168,511,988, plus strand): 5'-AAGCGTGGTGCAAAAACTCCCAGCACAAACGTAAAGCCCAAAACGCCACATCAAAGAAAG[G>T]GTGGCCCCCAGAGCCAGCTGTGTGACAAGGCAGCTAATTTAATTGAGGAGCTAACATCCA-3'
Protein context (NP_001159580.1, residues 152-172): VKPKTPHQRK[Gly162Cys]GPQSQLCDKA

ClinVar aggregate classification (germline): Uncertain significance (1 of 4 stars; one submission).

gnomAD v4.1: 7 of 1,614,162 alleles (0.00043%); highest among the groups gnomAD compares: Non-Finnish European, 0.00042%; no homozygotes.

Submission:

Ambry Genetics
Classification: Uncertain significance. Last evaluated: 2022-07-25. Review status: criteria provided, single submitter. Criteria: Ambry Variant Classification Scheme 2023. Collection method: clinical testing. Allele origin: germline.
Comment: The p.G162C variant (also known as c.484G>T), located in coding exon 1 of the PALLD gene, results from a G to T substitution at nucleotide position 484. The glycine at codon 162 is replaced by cysteine, an amino acid with highly dissimilar properties. This amino acid position is conserved. In addition, this alteration is predicted to be tolerated by in silico analysis. Since supporting evidence is limited at this time, the clinical significance of this alteration remains unclear.